The following is an entry in ClinVar:

ClinVar aggregate classification (germline): Conflicting classifications of pathogenicity. Review status: criteria provided, conflicting classifications (1 of 4 stars). 3 submissions from 3 submitters: Pathogenic (1); Uncertain significance (1). 1 of the submissions does not count toward it. Last evaluated 2023-02-18.

Conditions:
Hereditary spastic paraplegia 62. Also called: Spastic paraplegia 62, autosomal recessive. Identifiers: Orphanet 401785, MedGen C4284588, MONDO:0014302, OMIM 615681.
Hereditary spastic paraplegia. Also called: Familial spastic paraparesis. Identifiers: Orphanet 685, MedGen C0037773, MONDO:0019064. Disease mechanism: loss of function.

Allele frequency attached by ClinVar (database versions not stated): gnomAD exomes below 0.00001 and 0.00001; gnomAD 0.00001; TOPMed 0.00001.
gnomAD v4.1: 13 of 1,613,600 alleles (0.00081%); highest among the groups gnomAD compares: East Asian, 0.0022%; no homozygotes.

Submissions (3):

Labcorp Genetics (formerly Invitae), Labcorp
Classification: Uncertain significance for Hereditary spastic paraplegia 62. Last evaluated: 2023-02-18. Review status: criteria provided, single submitter. Criteria: Invitae Variant Classification Sherloc (09022015). Collection method: clinical testing. Allele origin: germline.
Comment: In summary, the available evidence is currently insufficient to determine the role of this variant in disease. Therefore, it has been classified as a Variant of Uncertain Significance. ClinVar contains an entry for this variant (Variation ID: 226426). This premature translational stop signal has been observed in individuals with hereditary spastic paraplegia (PMID: 24482476; Invitae). This variant is present in population databases (no rsID available, gnomAD 0.007%). This sequence change creates a premature translational stop signal (p.Arg255*) in the ERLIN1 gene. It is expected to result in an absent or disrupted protein product. However, the current clinical and genetic evidence is not sufficient to establish whether loss-of-function variants in ERLIN1 cause disease.

Cambridge Genomics Laboratory, East Genomic Laboratory Hub, NHS Genomic Medicine Service
Classification: Pathogenic for Hereditary spastic paraplegia. Last evaluated: 2020-03-27. Review status: criteria provided, single submitter. Criteria: ACGS Best Practice Guidelines for Variant Classification in Rare Disease 2020. Collection method: clinical testing. Allele origin: germline. Affected: yes. Observed: 1 variant allele.

OMIM
Classification: Pathogenic for SPASTIC PARAPLEGIA 62, AUTOSOMAL RECESSIVE. Last evaluated: 2014-01-31. Review status: no assertion criteria provided. Collection method: literature only. Allele origin: germline. Not counted in ClinVar's aggregate classification.

Literature cited by the submitters: PubMed 24482476 (cited by Labcorp Genetics (formerly Invitae), Labcorp and OMIM).

NM_006459.4(ERLIN1):c.763C>T (p.Arg255Ter)

Gene: ERLIN1 (ER lipid raft associated 1; minus strand). Cytogenetic location: 10q24.31.
Variant type: single nucleotide variant.
Coding change: c.763C>T on transcript NM_006459.4 (MANE Select); coding-DNA position 763, C replaced by T.
Protein change: p.Arg255Ter; replaces arginine 255 with a stop codon.
Molecular consequence: nonsense. On other transcripts: non-coding transcript variant (6).
Genome position (GRCh38, 1-based): chr10:100,154,922, G>A on the plus strand (C>T on the coding strand, the complement: ERLIN1 is on the minus strand). VCF-style: chr10-100154922-G-A. GRCh37 (hg19) VCF-style: chr10-101914679-G-A.
Other names: c.763C>T, p.Arg255Ter (NM_001100626.2, NM_001347857.2, NM_001347859.2 and 2 more transcripts); c.511C>T, p.Arg171Ter (NM_001347856.2); c.283C>T, p.Arg95Ter (NM_001347858.2); short protein forms R255*, R171*, R95*.
Identifiers: ClinVar variation 226426 (VCV000226426.6), dbSNP rs876657413, ClinGen allele CA10576345.